The following is an entry in ClinVar:

NM_002361.4(MAG):c.719dup (p.Val241fs)

Gene: MAG (myelin associated glycoprotein; plus strand). Cytogenetic location: 19q13.12.
Variant type: Duplication.
Coding change: c.719dup on transcript NM_002361.4 (MANE Select); coding-DNA position 719, one base duplicated (C; older notation c.719dupC).
Protein change: p.Val241fs; shifts the reading frame from valine 241.
Molecular consequence: frameshift variant.
Genome position (GRCh38, 1-based): chr19:35,300,153, C duplicated; the last of 6 consecutive C bases (chr19:35,300,148-35,300,153); duplicating any one gives the same sequence. VCF-style (leftmost placement, unchanged base first): chr19-35300147-A-AC. GRCh37 (hg19) VCF-style: chr19-35791050-A-AC.
Other names: c.644dup, p.Val216fs (NM_001199216.2); c.719dup, p.Val241fs (NM_080600.3); short protein forms V216fs, V241fs.
Identifiers: ClinVar variation 1478560 (VCV001478560.5), dbSNP rs770601245, ClinGen allele CA9376083.

ClinVar aggregate classification (germline): Pathogenic (1 of 4 stars; one submission).

Conditions:
Hereditary spastic paraplegia 75. Also called: Spastic paraplegia 75, autosomal recessive. Identifiers: Orphanet 459056, MedGen C4225250, MONDO:0014729, OMIM 616680.

Submission:

Labcorp Genetics (formerly Invitae), Labcorp
Classification: Pathogenic for Hereditary spastic paraplegia 75. Last evaluated: 2024-10-01. Review status: criteria provided, single submitter. Criteria: Invitae Variant Classification Sherloc (09022015). Collection method: clinical testing. Allele origin: germline.
Comment: This sequence change creates a premature translational stop signal (p.Val241Glyfs*24) in the MAG gene. It is expected to result in an absent or disrupted protein product. Loss-of-function variants in MAG are known to be pathogenic (PMID: 32629324). The frequency data for this variant in the population databases is considered unreliable, as metrics indicate poor data quality at this position in the gnomAD database. This variant has not been reported in the literature in individuals affected with MAG-related conditions. ClinVar contains an entry for this variant (Variation ID: 1478560). For these reasons, this variant has been classified as Pathogenic.

Literature cited by the submitters: PubMed 32629324.